The following is an entry in ClinVar:

ClinVar aggregate classification (germline): Pathogenic (1 of 4 stars; one submission).

Conditions:
Autism spectrum disorder - epilepsy - arthrogryposis syndrome (AMRS). Identifiers: Orphanet 370943, MedGen C3809910, MONDO:0014248, OMIM 615553.

Submission:

Labcorp Genetics (formerly Invitae), Labcorp
Classification: Pathogenic for Autism spectrum disorder - epilepsy - arthrogryposis syndrome. Last evaluated: 2021-08-08. Review status: criteria provided, single submitter. Criteria: Invitae Variant Classification Sherloc (09022015). Collection method: clinical testing. Allele origin: germline.
Comment: A gross deletion of the genomic region encompassing the full coding sequence of the SLC35A3 gene has been identified. Loss-of-function variants in SLC35A3 are known to be pathogenic (PMID: 24031089, 28328131). The boundaries of this event are unknown as they extend beyond the assayed region for this gene and therefore may encompass additional genes. This variant has not been reported in the literature in individuals affected with SLC35A3-related conditions. For these reasons, this variant has been classified as Pathogenic.

Literature cited by the submitters: PubMed 24031089; PubMed 28328131.

NC_000001.10:g.(?_100316589)_(100488042_?)del

Genes: SLC35A3 (solute carrier family 35 member A3; plus strand), AGL (amylo-alpha-1,6-glucosidase and 4-alpha-glucanotransferase; plus strand). Cytogenetic location: 1p21.2.
Variant type: Deletion.
Identifiers: ClinVar variation 1456328 (VCV001456328.37).